The following is an entry in ClinVar:

ClinVar aggregate classification (germline): Uncertain significance (1 of 4 stars; one submission).

Conditions:
Hereditary nonpolyposis colorectal neoplasms. Identifiers: MedGen C0009405, MeSH D003123.

Submission:

Labcorp Genetics (formerly Invitae), Labcorp
Classification: Uncertain significance for Hereditary nonpolyposis colorectal neoplasms. Last evaluated: 2023-05-23. Review status: criteria provided, single submitter. Criteria: Invitae Variant Classification Sherloc (09022015). Collection method: clinical testing. Allele origin: germline.
Comment: In summary, the available evidence is currently insufficient to determine the role of this variant in disease. Therefore, it has been classified as a Variant of Uncertain Significance. Advanced modeling of protein sequence and biophysical properties (such as structural, functional, and spatial information, amino acid conservation, physicochemical variation, residue mobility, and thermodynamic stability) performed at Invitae indicates that this missense variant is not expected to disrupt MSH6 protein function. This variant has not been reported in the literature in individuals affected with MSH6-related conditions. This variant is not present in population databases (gnomAD no frequency). This sequence change replaces phenylalanine, which is neutral and non-polar, with tyrosine, which is neutral and polar, at codon 689 of the MSH6 protein (p.Phe689Tyr).

NM_000179.3(MSH6):c.2066T>A (p.Phe689Tyr)

Gene: MSH6 (mutS homolog 6; plus strand). Cytogenetic location: 2p16.3.
Variant type: single nucleotide variant.
Coding change: c.2066T>A on transcript NM_000179.3 (MANE Select); coding-DNA position 2066, T replaced by A.
Protein change: p.Phe689Tyr; replaces phenylalanine 689 with tyrosine.
Molecular consequence: missense variant. On other transcripts: non-coding transcript variant (5), intron variant (2).
Genome position (GRCh38, 1-based): chr2:47,800,049, T>A. VCF-style: chr2-47800049-T-A. GRCh37 (hg19) VCF-style: chr2-48027188-T-A.
Other names: c.1769T>A, p.Phe590Tyr (NM_001406805.1, NM_001406818.1, NM_001406819.1 and 10 more transcripts); c.1541T>A, p.Phe514Tyr (NM_001406806.1, NM_001406807.1, NM_001406799.1); c.1606+460T>A (NM_001406817.1); c.628-617T>A (NM_001407362.1); c.1160T>A, p.Phe387Tyr (NM_001406811.1, NM_001406812.1, NM_001406814.1 and 6 more transcripts); c.2072T>A, p.Phe691Tyr (NM_001406813.1); c.2066T>A, p.Phe689Tyr (NM_001406808.1, NM_001406809.1, NM_001406796.1 and 3 more transcripts); c.1676T>A, p.Phe559Tyr (NM_001281492.2); and 3 more; short protein forms F590Y, F514Y, F387Y, F559Y, F633Y, F689Y, F663Y, F691Y.
Identifiers: ClinVar variation 2742044 (VCV002742044.3), dbSNP rs2104386993, ClinGen allele CA346750787.
Genomic context (GRCh38, chr2:47,800,049, plus strand): 5'-TTGGGTTGACACCAGGAGAGAAAAGTGAATTGGCCCTCTCTGCTCTAGGTGGTTGTGTCT[T>A]CTACCTCAAAAAATGCCTTATTGATCAGGAGCTTTTATCAATGGCTAATTTTGAAGAATA-3'
Protein context (NP_000170.1, residues 679-699): LALSALGGCV[Phe689Tyr]YLKKCLIDQE